The following is an entry in ClinVar:

ClinVar aggregate classification (germline): Likely pathogenic (1 of 4 stars; one submission).

Conditions:
Mitochondrial complex I deficiency, nuclear type 18. Also called: Mitochondrial complex 1 deficiency, nuclear type 18. Identifiers: MedGen C4748790, MONDO:0032623, OMIM 618240.

Allele frequency attached by ClinVar (database versions not stated): gnomAD exomes below 0.00001.

Submission:

Neuberg Centre For Genomic Medicine, NCGM
Classification: Likely pathogenic for Mitochondrial complex I deficiency, nuclear type 18. Review status: criteria provided, single submitter. Criteria: ACMG Guidelines, 2015. Collection method: clinical testing. Allele origin: germline. Inheritance: Autosomal recessive inheritance. Affected: yes.
Comment: The stop gained p.Q43* in NDUFAF3 (NM_199069.2) has not been reported previously as a pathogenic variant nor as a benign variant, to our knowledge. The p.Q43* variant is novel (not in any individuals) in gnomAD Exomes and is novel (not in any individuals) in 1000 Genomes. This variant is predicted to cause loss of normal protein function through protein truncation. Loss of function variants have been previously reported to be disease causing. For these reasons, this variant has been classified as Likely Pathogenic. In the absence of second reportable variant molecular diagnosis is not confirmed.

NM_199069.2(NDUFAF3):c.127C>T (p.Gln43Ter)

Genes: NDUFAF3 (NADH:ubiquinone oxidoreductase complex assembly factor 3; plus strand), LOC129936730 (ATAC-STARR-seq lymphoblastoid silent region 14350; plus strand). Cytogenetic location: 3p21.31.
Variant type: single nucleotide variant.
Coding change: c.127C>T on transcript NM_199069.2 (MANE Select); coding-DNA position 127, C replaced by T.
Protein change: p.Gln43Ter; replaces glutamine 43 with a stop codon.
Molecular consequence: nonsense. On other transcripts: 5 prime UTR variant (3).
Genome position (GRCh38, 1-based): chr3:49,022,395, C>T. VCF-style: chr3-49022395-C-T. GRCh37 (hg19) VCF-style: chr3-49059828-C-T.
Other names: c.-45C>T (NM_199070.2, NM_199073.2, NM_199074.2); short protein forms Q43*.
Identifiers: ClinVar variation 2585571 (VCV002585571.1), dbSNP rs2106770574, ClinGen allele CA352727389.